The following is an entry in ClinVar:

NM_004329.3(BMPR1A):c.1362A>G (p.Gln454=)

Gene: BMPR1A (bone morphogenetic protein receptor type 1A; plus strand). Cytogenetic location: 10q23.2.
Variant type: single nucleotide variant.
Coding change: c.1362A>G on transcript NM_004329.3 (MANE Select); coding-DNA position 1362, A replaced by G.
Protein change: p.Gln454=; no amino-acid change (glutamine 454 retained).
Molecular consequence: synonymous variant.
Genome position (GRCh38, 1-based): chr10:86,923,395, A>G. VCF-style: chr10-86923395-A-G. GRCh37 (hg19) VCF-style: chr10-88683152-A-G.
Identifiers: ClinVar variation 460482 (VCV000460482.30), dbSNP rs764090248, ClinGen allele CA5585705.

ClinVar aggregate classification (germline): Benign/Likely benign. Review status: criteria provided, multiple submitters, no conflicts (2 of 4 stars). 11 submissions from 11 submitters: Benign (1); Likely benign (10). Last evaluated 2026-09-01.

Conditions:
Juvenile polyposis syndrome (JPS). Identifiers: Orphanet 2929, MedGen C0345893, MONDO:0017380, OMIM 174900.
Hereditary cancer-predisposing syndrome. Also called: Hereditary neoplastic syndrome; Tumor predisposition; Neoplastic Syndromes, Hereditary; Hereditary Cancer Syndrome. Identifiers: Orphanet 140162, MedGen C0027672, MeSH D009386, MONDO:0015356.

Allele frequency attached by ClinVar (database versions not stated): ExAC 0.00001; gnomAD 0.00001; gnomAD exomes 0.00001 and 0.00002; TOPMed 0.00001.
gnomAD v4.1: 22 of 1,614,074 alleles (0.0014%); highest among the groups gnomAD compares: East Asian, 0.0067%; no homozygotes.

Submissions (11):

CeGaT Center for Human Genetics Tuebingen
Classification: Likely benign. Last evaluated: 2026-09-01. Review status: criteria provided, single submitter. Criteria: CeGaT Center For Human Genetics Tuebingen Variant Classification Criteria Version 2. Collection method: clinical testing. Allele origin: germline. Affected: yes. Observed: 1 variant allele.
Comment: BMPR1A: BP4, BP7

Center for Genomic Medicine, Rigshospitalet, Copenhagen University Hospital
Classification: Likely benign. Last evaluated: 2025-12-29. Review status: criteria provided, single submitter. Criteria: ACMG Guidelines, 2015. Collection method: clinical testing. Allele origin: germline.
Comment: Classification criteria: BP4, BP7

Labcorp Genetics (formerly Invitae), Labcorp
Classification: Likely benign for Juvenile polyposis syndrome. Last evaluated: 2025-12-16. Review status: criteria provided, single submitter. Criteria: Invitae Variant Classification Sherloc (09022015). Collection method: clinical testing. Allele origin: germline.

Myriad Genetics, Inc.
Classification: Benign for Juvenile polyposis syndrome. Last evaluated: 2024-08-07. Review status: criteria provided, single submitter. Criteria: Myriad Autosomal Dominant, Autosomal Recessive and X-Linked Classification Criteria (2023). Collection method: clinical testing. Allele origin: unknown.
Comment: This variant is considered benign. This variant is a silent/synonymous amino acid change and it is not expected to impact splicing.

All of Us Research Program, National Institutes of Health
Classification: Likely benign for Juvenile polyposis syndrome. Last evaluated: 2023-12-18. Review status: criteria provided, single submitter. Criteria: ACMG Guidelines, 2015. Collection method: clinical testing. Allele origin: germline. Inheritance: Autosomal dominant inheritance. Observed: 6 variant alleles, 6 heterozygotes.
Comment: This study involves interpretation of variants in research participants for the purpose of population health screening. Participant phenotype was not available at the time of variant classification. Additional details can be found in publication PMID: 35346344, PMCID: PMC8962531

GeneDx
Classification: Likely benign. Last evaluated: 2021-04-26. Review status: criteria provided, single submitter. Criteria: GeneDx Variant Classification Process June 2021. Collection method: clinical testing. Allele origin: germline. Affected: yes.

Women's Health and Genetics/Laboratory Corporation of America, LabCorp
Classification: Likely benign. Last evaluated: 2020-12-24. Review status: criteria provided, single submitter. Criteria: LabCorp Variant Classification Summary - May 2015. Collection method: clinical testing. Allele origin: germline.

Genetic Services Laboratory, University of Chicago
Classification: Likely benign. Last evaluated: 2019-06-14. Review status: criteria provided, single submitter. Criteria: ACMG Guidelines, 2015. Collection method: clinical testing. Allele origin: germline. Affected: no.

Quest Diagnostics Nichols Institute San Juan Capistrano
Classification: Likely benign. Last evaluated: 2019-01-20. Review status: criteria provided, single submitter. Criteria: Quest Diagnostics criteria. Collection method: clinical testing. Allele origin: germline.

Color Diagnostics, LLC DBA Color Health
Classification: Likely benign for Hereditary cancer-predisposing syndrome. Last evaluated: 2017-01-20. Review status: criteria provided, single submitter. Criteria: ACMG Guidelines, 2015. Collection method: clinical testing. Allele origin: germline.

Ambry Genetics
Classification: Likely benign for Hereditary cancer-predisposing syndrome. Last evaluated: 2016-07-28. Review status: criteria provided, single submitter. Criteria: Ambry Variant Classification Scheme 2023. Collection method: clinical testing. Allele origin: germline.